The following is an entry in ClinVar:

ClinVar aggregate classification (germline): Pathogenic (1 of 4 stars; one submission).

Conditions:
Intellectual developmental disorder, autosomal recessive 69 (NEDMCB). Also called: NEURODEVELOPMENTAL DISORDER WITH PROGRESSIVE MOVEMENT ABNORMALITIES, COGNITIVE DECLINE, AND BRAIN ABNORMALITIES. Identifiers: Orphanet 699835, MedGen C5193067, MONDO:0032715, OMIM 618383.

Submission:

Women's Health and Genetics/Laboratory Corporation of America, LabCorp
Classification: Pathogenic for Intellectual developmental disorder, autosomal recessive 69. Last evaluated: 2023-05-24. Review status: criteria provided, single submitter. Criteria: LabCorp Variant Classification Summary - May 2015. Collection method: clinical testing. Allele origin: germline.
Comment: Variant summary: ZBTB11 c.85_97del13 (p.Val29SerfsX74) results in a premature termination codon, predicted to cause a truncation of the encoded protein or absence of the protein due to nonsense mediated decay, which are commonly known mechanisms for disease. The variant was absent in 244848 control chromosomes. To our knowledge, no occurrence of c.85_97del13 in individuals affected with Intellectual Developmental Disorder, Autosomal Recessive 69 and no experimental evidence demonstrating its impact on protein function have been reported. No clinical diagnostic laboratories have submitted clinical-significance assessments for this variant to ClinVar after 2014. Based on the evidence outlined above, the variant was classified as pathogenic.

NM_014415.4(ZBTB11):c.85_97del (p.Val29fs)

Genes: ZBTB11 (zinc finger and BTB domain containing 11; minus strand), ZBTB11-AS1 (ZBTB11 antisense RNA 1; plus strand). Cytogenetic location: 3q12.3.
Variant type: Deletion.
Coding change: c.85_97del on transcript NM_014415.4 (MANE Select); coding-DNA positions 85 to 97, 13 bases deleted (GTCAAGCGTAAAA).
Protein change: p.Val29fs; shifts the reading frame from valine 29.
Molecular consequence: frameshift variant. On other transcripts: non-coding transcript variant (1).
Genome position (GRCh38, 1-based): chr3:101,676,818-101,676,830, TTTTACGCTTGAC deleted on the plus strand (GTCAAGCGTAAAA on the coding strand, the reverse complement: ZBTB11 is on the minus strand). VCF-style (leftmost placement, unchanged base first): chr3-101676817-ATTTTACGCTTGAC-A. GRCh37 (hg19) VCF-style: chr3-101395661-ATTTTACGCTTGAC-A.
Other names: short protein forms V29fs.
Identifiers: ClinVar variation 2506345 (VCV002506345.1), dbSNP rs2545779418, ClinGen allele CA2580616510.
Genomic context (GRCh38, chr3:101,676,817, plus strand): 5'-TGCCGCCGCTGGTAATACAGAGTCCCGCCGCGCACCACGTAGCAGGCGGCAGCTTTTCGG[ATTTTACGCTTGAC>A]ATTGCCCTCGGTGCCCGGCGCATACGGCTCGCGCTCGTTCGTCAGGTAACGCAGGATGGC-3'